The following is an entry in ClinVar:

ClinVar aggregate classification (germline): Likely benign. Review status: criteria provided, multiple submitters, no conflicts (2 of 4 stars). 4 submissions from 4 submitters: Likely benign (4). Last evaluated 2025-11-01.

Conditions:
Familial thoracic aortic aneurysm and aortic dissection (TAAD). Also called: Thoracic aortic aneurysms and dissections. Identifiers: Orphanet 91387, MedGen C4707243, MONDO:0019625.
Congenital contractural arachnodactyly (CCA). Also called: Beals-Hecht syndrome; Arthrogryposis, distal, type 9; BEALS SYNDROME. Identifiers: Orphanet 115, MedGen C0220668, MONDO:0007363, OMIM 121050.

Allele frequency attached by ClinVar (database versions not stated): gnomAD exomes 0.00003 and 0.00008; ExAC 0.00010.
gnomAD v4.1: 52 of 1,613,842 alleles (0.0032%); highest among the groups gnomAD compares: South Asian, 0.045%; 1 homozygote.

Submissions (4):

Labcorp Genetics (formerly Invitae), Labcorp
Classification: Likely benign for Congenital contractural arachnodactyly. Last evaluated: 2025-11-01. Review status: criteria provided, single submitter. Criteria: Invitae Variant Classification Sherloc (09022015). Collection method: clinical testing. Allele origin: germline.

Blueprint Genetics
Classification: Likely benign. Last evaluated: 2024-09-23. Review status: criteria provided, single submitter. Criteria: ACMG Guidelines, 2015. Collection method: clinical testing. Allele origin: germline.

CeGaT Center for Human Genetics Tuebingen
Classification: Likely benign. Last evaluated: 2023-02-01. Review status: criteria provided, single submitter. Criteria: CeGaT Center For Human Genetics Tuebingen Variant Classification Criteria Version 2. Collection method: clinical testing. Allele origin: germline. Affected: yes. Observed: 1 variant allele.
Comment: FBN2: BP4, BP7

Ambry Genetics
Classification: Likely benign for Familial thoracic aortic aneurysm and aortic dissection. Last evaluated: 2020-09-30. Review status: criteria provided, single submitter. Criteria: Ambry Variant Classification Scheme 2023. Collection method: clinical testing. Allele origin: germline.

NM_001999.4(FBN2):c.5637C>T (p.Ala1879=)

Gene: FBN2 (fibrillin 2; minus strand). Cytogenetic location: 5q23.3.
Variant type: single nucleotide variant.
Coding change: c.5637C>T on transcript NM_001999.4 (MANE Select); coding-DNA position 5637, C replaced by T.
Protein change: p.Ala1879=; no amino-acid change (alanine 1879 retained).
Molecular consequence: synonymous variant.
Genome position (GRCh38, 1-based): chr5:128,305,548, G>A on the plus strand (C>T on the coding strand, the complement: FBN2 is on the minus strand). VCF-style: chr5-128305548-G-A. GRCh37 (hg19) VCF-style: chr5-127641240-G-A.
Identifiers: ClinVar variation 740453 (VCV000740453.37), dbSNP rs367620361, ClinGen allele CA3394653.
Genomic context (GRCh38, chr5:128,305,548, plus strand): 5'-GAATGAGTCAGCCTCTTTCTTACCTACACAGGCCCCATTGGGTGAAAGTTTGAAACCCGC[G>A]GCACATTCACAGCGGTAACTACCAGGACTATTGATGCAGTCTGCATTCCGCTGGCAGAGA-3'
Protein context (NP_001990.2, residues 1869-1889): NSPGSYRCEC[Ala1879=]AGFKLSPNGA